The following is an entry in ClinVar:

ClinVar aggregate classification (germline): Likely benign. Review status: criteria provided, single submitter (1 of 4 stars). 2 submissions from 2 submitters: Likely benign (1). 1 of the submissions does not count toward it. Last evaluated 2025-12-08.

Conditions:
MYO7A-related disorder. Also called: MYO7A-related disorders.

Allele frequency attached by ClinVar (database versions not stated): gnomAD 0.00002 and 0.00003; gnomAD exomes 0.00001; ExAC 0.00007; TOPMed 0.00003.
gnomAD v4.1: 19 of 1,585,480 alleles (0.0012%); highest among the groups gnomAD compares: Admixed American, 0.0052%; 1 homozygote.

Submissions (2):

Labcorp Genetics (formerly Invitae), Labcorp
Classification: Likely benign. Last evaluated: 2025-12-08. Review status: criteria provided, single submitter. Criteria: Invitae Variant Classification Sherloc (09022015). Collection method: clinical testing. Allele origin: germline.

PreventionGenetics, part of Exact Sciences
Classification: Likely benign for MYO7A-related condition. Last evaluated: 2019-08-13. Review status: no assertion criteria provided. Collection method: clinical testing. Allele origin: germline. Not counted in ClinVar's aggregate classification.
Comment: This variant is classified as likely benign based on ACMG/AMP sequence variant interpretation guidelines (Richards et al. 2015 PMID: 25741868, with internal and published modifications).

NM_000260.4(MYO7A):c.286-4G>A

Gene: MYO7A (myosin VIIA; plus strand). Cytogenetic location: 11q13.5.
Variant type: single nucleotide variant.
Coding change: c.286-4G>A on transcript NM_000260.4 (MANE Select); 4 bases into the intron before coding-DNA position 286, G replaced by A.
Molecular consequence: intron variant.
Genome position (GRCh38, 1-based): chr11:77,155,903, G>A. VCF-style: chr11-77155903-G-A. GRCh37 (hg19) VCF-style: chr11-76866949-G-A.
Other names: c.253-4G>A (NM_001369365.1); c.286-4G>A (NM_001127180.2).
Identifiers: ClinVar variation 743771 (VCV000743771.12), dbSNP rs782708856, ClinGen allele CA6197098.